The following is an entry in ClinVar:

NM_020442.6(VARS2):c.986-254C>G

Gene: VARS2 (valyl-tRNA synthetase 2, mitochondrial; plus strand). Cytogenetic location: 6p21.33.
Variant type: single nucleotide variant.
Coding change: c.986-254C>G on transcript NM_020442.6 (MANE Select); 254 bases into the intron before coding-DNA position 986, C replaced by G.
Molecular consequence: intron variant.
Genome position (GRCh38, 1-based): chr6:30,918,573, C>G. VCF-style: chr6-30918573-C-G. GRCh37 (hg19) VCF-style: chr6-30886350-C-G.
Other names: c.1076-254C>G (NM_001167734.2); c.566-254C>G (NM_001167733.3).
Identifiers: ClinVar variation 669592 (VCV000669592.1), dbSNP rs9262293, ClinGen allele CA15425366.
Genomic context (GRCh38, chr6:30,918,573, plus strand): 5'-CCCAGTGTCCTCTGGGCACCCAGCAAGAATTCTATTATAGTTGCTTTAATTAATGCTGCC[C>G]CCATTTCTTCCATGCAAATTATCAGGGAATTCTTTAGCACCAGAGACCCTCTCAGACCTC-3'

ClinVar aggregate classification (germline): Benign (1 of 4 stars; one submission).

Allele frequency attached by ClinVar (database versions not stated): 1000 Genomes Project 30x 0.22064; 1000 Genomes Project 0.22204; TOPMed 0.26286; gnomAD 0.27879 and 0.27968.
gnomAD v4.1: 42,550 of 152,060 alleles (28%); highest among the groups gnomAD compares: Middle Eastern, 38%; 6,833 homozygotes.

Submission:

GeneDx
Classification: Benign. Last evaluated: 2018-06-14. Review status: criteria provided, single submitter. Criteria: GeneDx Variant Classification (06012015). Collection method: clinical testing. Allele origin: germline. Affected: yes.
Comment: This variant is considered likely benign or benign based on one or more of the following criteria: it is a conservative change, it occurs at a poorly conserved position in the protein, it is predicted to be benign by multiple in silico algorithms, and/or has population frequency not consistent with disease.